The following is an entry in ClinVar:

ClinVar aggregate classification (germline): Uncertain significance (1 of 4 stars; one submission).

Conditions:
RASopathy. Also called: rasopathies; Noonan spectrum disorder. Identifiers: Orphanet 536391, MedGen C5555857, MONDO:0021060.

Submission:

Labcorp Genetics (formerly Invitae), Labcorp
Classification: Uncertain significance for RASopathy. Last evaluated: 2023-07-13. Review status: criteria provided, single submitter. Criteria: Invitae Variant Classification Sherloc (09022015). Collection method: clinical testing. Allele origin: germline.
Comment: In summary, the available evidence is currently insufficient to determine the role of this variant in disease. Therefore, it has been classified as a Variant of Uncertain Significance. Advanced modeling of protein sequence and biophysical properties (such as structural, functional, and spatial information, amino acid conservation, physicochemical variation, residue mobility, and thermodynamic stability) performed at Invitae indicates that this missense variant is not expected to disrupt NRAS protein function. This variant has not been reported in the literature in individuals affected with NRAS-related conditions. This variant is not present in population databases (gnomAD no frequency). This sequence change replaces aspartic acid, which is acidic and polar, with tyrosine, which is neutral and polar, at codon 176 of the NRAS protein (p.Asp176Tyr).

NM_002524.5(NRAS):c.526G>T (p.Asp176Tyr)

Gene: NRAS (NRAS proto-oncogene, GTPase; minus strand). Cytogenetic location: 1p13.2.
Variant type: single nucleotide variant.
Coding change: c.526G>T on transcript NM_002524.5 (MANE Select); coding-DNA position 526, G replaced by T.
Protein change: p.Asp176Tyr; replaces aspartic acid 176 with tyrosine.
Molecular consequence: missense variant.
Genome position (GRCh38, 1-based): chr1:114,708,579, C>A on the plus strand (G>T on the coding strand, the complement: NRAS is on the minus strand). VCF-style: chr1-114708579-C-A. GRCh37 (hg19) VCF-style: chr1-115251200-C-A.
Other names: short protein forms D176Y.
Identifiers: ClinVar variation 2743098 (VCV002743098.3), dbSNP rs2526438687, ClinGen allele CA341738505.